The following is an entry in ClinVar:

NM_001754.5(RUNX1):c.614-3T>A

Gene: RUNX1 (RUNX family transcription factor 1; minus strand). Cytogenetic location: 21q22.12.
Variant type: single nucleotide variant.
Coding change: c.614-3T>A on transcript NM_001754.5 (MANE Select); 3 bases into the intron before coding-DNA position 614, T replaced by A.
Molecular consequence: intron variant.
Genome position (GRCh38, 1-based): chr21:34,834,604, A>T on the plus strand (T>A on the coding strand, the complement: RUNX1 is on the minus strand). VCF-style: chr21-34834604-A-T. GRCh37 (hg19) VCF-style: chr21-36206901-A-T.
Other names: c.533-3T>A (NM_001001890.3, NM_001122607.2).
Identifiers: ClinVar variation 1356920 (VCV001356920.8), dbSNP rs762247645, ClinGen allele CA1022028185.

ClinVar aggregate classification (germline): Uncertain significance. Review status: reviewed by expert panel (3 of 4 stars). 2 submissions from 2 submitters: Uncertain significance (1). 1 of the submissions does not count toward it. Last evaluated 2024-09-30.

Conditions:
Hereditary thrombocytopenia and hematologic cancer predisposition syndrome. Identifiers: Orphanet 71290, MedGen CN281654, MONDO:0011071.
Hereditary thrombocytopenia and hematological cancer predisposition syndrome associated with RUNX1. Also called: PLATELET DISORDER, ASPIRIN-LIKE; RUNX1 Familial Platelet Disorder with Associated Myeloid Malignancies; Familial Platelet Disorder with Propensity to Acute Myelogenous Leukemia; Familial thrombocytopenia with propensity to acute myelogenous leukemia. Identifiers: Orphanet 71290, MedGen C1832388, MeSH C563324, MONDO:0100083, OMIM 601399.

Submissions (2):

ClinGen Myeloid Malignancy Variant Curation Expert Panel
Classification: Uncertain significance for Hereditary thrombocytopenia and hematologic cancer predisposition syndrome. Last evaluated: 2024-09-30. Review status: reviewed by expert panel. Criteria: ClinGen MyeloMalig ACMG Specifications v2. Collection method: curation. Allele origin: germline. Inheritance: Autosomal dominant inheritance.
Comment: NM_001754.5(RUNX1):c.614-3T>A is an intronic variant which has a SpliceAI score ≤ 0.20 (0.10) (BP4). This variant is completely absent from all population databases with at least 20x coverage for RUNX1 (PM2_supporting). In summary, the clinical significance of this variant is uncertain. ACMG/AMP criteria applied, as specified by the Myeloid Malignancy Variant Curation Expert Panel for RUNX1: BP4, PM2_supporting.

Labcorp Genetics (formerly Invitae), Labcorp
Classification: Uncertain significance for Hereditary thrombocytopenia and hematological cancer predisposition syndrome associated with RUNX1. Last evaluated: 2021-05-28. Review status: criteria provided, single submitter. Criteria: Invitae Variant Classification Sherloc (09022015). Collection method: clinical testing. Allele origin: germline. Not counted in ClinVar's aggregate classification.
Comment: This sequence change falls in intron 6 of the RUNX1 gene. It does not directly change the encoded amino acid sequence of the RUNX1 protein. It affects a nucleotide within the consensus splice site of the intron. This variant is not present in population databases (ExAC no frequency). This variant has not been reported in the literature in individuals with RUNX1-related conditions. Nucleotide substitutions within the consensus splice site are a relatively common cause of aberrant splicing (PMID: 17576681, 9536098). Algorithms developed to predict the effect of sequence changes on RNA splicing suggest that this variant may disrupt the consensus splice site, but this prediction has not been confirmed by published transcriptional studies. In summary, the available evidence is currently insufficient to determine the role of this variant in disease. Therefore, it has been classified as a Variant of Uncertain Significance.

Literature cited by the submitters: PubMed 17576681 (cited by Labcorp Genetics (formerly Invitae), Labcorp); PubMed 9536098 (cited by Labcorp Genetics (formerly Invitae), Labcorp).